The following is an entry in ClinVar:

NM_032242.4(PLXNA1):c.4363-3C>T

Gene: PLXNA1 (plexin A1; plus strand). Cytogenetic location: 3q21.3.
Variant type: single nucleotide variant.
Coding change: c.4363-3C>T on transcript NM_032242.4 (MANE Select); 3 bases into the intron before coding-DNA position 4363, C replaced by T.
Molecular consequence: intron variant.
Genome position (GRCh38, 1-based): chr3:127,027,937, C>T. VCF-style: chr3-127027937-C-T. GRCh37 (hg19) VCF-style: chr3-126746780-C-T.
Identifiers: ClinVar variation 4986531 (VCV004986531.1).

ClinVar aggregate classification (germline): Likely benign (1 of 4 stars; one submission).

Conditions:
PLXNA1-related disorder. Also called: PLXNA1-related condition.

gnomAD v4.1: 2 of 1,613,060 alleles (0.00012%); highest among the groups gnomAD compares: African/African-American, 0.0013%; no homozygotes.

Submission:

PreventionGenetics, part of Exact Sciences
Classification: Likely benign for PLXNA1-related condition. Last evaluated: 2025-11-24. Review status: criteria provided, single submitter. Criteria: ACMG Guidelines, 2015. Collection method: clinical testing. Allele origin: germline.
Comment: This variant is classified as likely benign based on ACMG/AMP sequence variant interpretation guidelines (Richards et al. 2015 PMID: 25741868, with internal and published modifications).